The following is an entry in ClinVar:

ClinVar aggregate classification (germline): Uncertain significance (1 of 4 stars; one submission).

Submission:

GeneDx
Classification: Uncertain significance. Last evaluated: 2025-04-04. Review status: criteria provided, single submitter. Criteria: GeneDx Variant Classification Process June 2021. Collection method: clinical testing. Allele origin: germline. Affected: yes.
Comment: Not observed at significant frequency in large population cohorts (gnomAD); Frameshift variant predicted to result in protein truncation or nonsense mediated decay in a gene or region of a gene for which loss of function is not a well-established mechanism of disease; Has not been previously published as pathogenic or benign to our knowledge

NM_012154.5(AGO2):c.599_609del (p.Phe200fs)

Genes: AGO2 (argonaute RISC catalytic component 2; minus strand), LOC126860545 (MED14-independent group 3 enhancer GRCh37_chr8:141569579-141570778; plus strand). Cytogenetic location: 8q24.3.
Variant type: Deletion.
Coding change: c.599_609del on transcript NM_012154.5 (MANE Select); coding-DNA positions 599 to 609, 11 bases deleted (TTGGCTTCCAT).
Protein change: p.Phe200fs; shifts the reading frame from phenylalanine 200.
Molecular consequence: frameshift variant.
Genome position (GRCh38, 1-based): chr8:140,560,420-140,560,430, ATGGAAGCCAA deleted on the plus strand (TTGGCTTCCAT on the coding strand, the reverse complement: AGO2 is on the minus strand); deleting any 11 consecutive bases within chr8:140,560,420-140,560,431 gives the same sequence; the c. name uses the placement nearest the transcript's 3' end. VCF-style (leftmost placement, unchanged base first): chr8-140560419-GATGGAAGCCAA-G. GRCh37 (hg19) VCF-style: chr8-141570518-GATGGAAGCCAA-G.
Other names: c.599_609del, p.Phe200fs (NM_001164623.3); short protein forms F200fs.
Identifiers: ClinVar variation 4278544 (VCV004278544.1).
Genomic context (GRCh38, chr8:140,560,419, plus strand): 5'-CAGGGCGCTGCTTACCATCAATATTCAGCATCATTTTCCAGAGAGAAGGCCGGACGGACT[GATGGAAGCCAA>G]ACCACACTTCTCGGCCCCCGCCAAGAGGGTTAGAGCAGCCTTCGGACGCGGTGAAGAAGG-3'